The following is an entry in ClinVar:

NM_016507.4(CDK12):c.2071A>G (p.Ile691Val)

Gene: CDK12 (cyclin dependent kinase 12; plus strand). Cytogenetic location: 17q12.
Variant type: single nucleotide variant.
Coding change: c.2071A>G on transcript NM_016507.4 (MANE Select); coding-DNA position 2071, A replaced by G.
Protein change: p.Ile691Val; replaces isoleucine 691 with valine.
Molecular consequence: missense variant.
Genome position (GRCh38, 1-based): chr17:39,490,696, A>G. VCF-style: chr17-39490696-A-G. GRCh37 (hg19) VCF-style: chr17-37646949-A-G.
Other names: c.2071A>G, p.Ile691Val (NM_015083.4); short protein forms I691V.
Identifiers: ClinVar variation 3830672 (VCV003830672.1).
Genomic context (GRCh38, chr17:39,490,696, plus strand): 5'-CTCCCTCCAGAGCTCCCTGGTGGAGATCTGTCTCCCCCAGACTCTCCAGAACCAAAGGCA[A>G]TCACACCACCTCAGCAACCATATAAAAAGAGACCAAAGTGAGTTTTTGGAGGAATCTGTC-3'
Protein context (NP_057591.2, residues 681-701): SPPDSPEPKA[Ile691Val]TPPQQPYKKR

ClinVar aggregate classification (germline): Uncertain significance (1 of 4 stars; one submission).

Submission:

Ambry Genetics
Classification: Uncertain significance. Last evaluated: 2025-02-16. Review status: criteria provided, single submitter. Criteria: Ambry Variant Classification Scheme 2023. Collection method: clinical testing. Allele origin: germline.
Comment: The p.I691V variant (also known as c.2071A>G), located in coding exon 3 of the CDK12 gene, results from an A to G substitution at nucleotide position 2071. The isoleucine at codon 691 is replaced by valine, an amino acid with highly similar properties. This amino acid position is conserved. In addition, this alteration is predicted to be tolerated by in silico analysis. Based on the available evidence, the clinical significance of this variant remains unclear.